The following is an entry in ClinVar:

ClinVar aggregate classification (germline): Likely benign (1 of 4 stars; one submission).

gnomAD v4.1: 479 of 1,597,152 alleles (0.03%); highest among the groups gnomAD compares: Non-Finnish European, 0.0053%; 4 homozygotes.

Submission:

CeGaT Center for Human Genetics Tuebingen
Classification: Likely benign. Last evaluated: 2025-10-01. Review status: criteria provided, single submitter. Criteria: CeGaT Center For Human Genetics Tuebingen Variant Classification Criteria Version 2. Collection method: clinical testing. Allele origin: germline. Affected: yes. Observed: 1 variant allele.
Comment: ATXN1: BP4

NM_001128164.2(ATXN1):c.125G>C (p.Gly42Ala)

Gene: ATXN1 (ataxin 1; minus strand). Cytogenetic location: 6p22.3.
Variant type: single nucleotide variant.
Coding change: c.125G>C on transcript NM_001128164.2 (MANE Select); coding-DNA position 125, G replaced by C.
Protein change: p.Gly42Ala; replaces glycine 42 with alanine.
Molecular consequence: missense variant. On other transcripts: synonymous variant (1).
Genome position (GRCh38, 1-based): chr6:16,328,186, C>G on the plus strand (G>C on the coding strand, the complement: ATXN1 is on the minus strand). VCF-style: chr6-16328186-C-G. GRCh37 (hg19) VCF-style: chr6-16328417-C-G.
Other names: c.125G>C, p.Gly42Ala (NM_000332.4); c.96G>C, p.Gly32= (NM_001357857.2); short protein forms G42A.
Identifiers: ClinVar variation 4534235 (VCV004534235.6).
Genomic context (GRCh38, chr6:16,328,186, plus strand): 5'-GGCCCATGCCTCCCGCCCCCGTGGCCCCGGCCACCAGGGTTGCCCGGGAGCCATGCTGTG[C>G]CCTCCACCCGGTGGTTGTCGCTGGGCAGGGTAGGGGCCTTCTCCTCGGAGGACCGGCTGG-3'
Protein context (NP_001121636.1, residues 32-52): TLPSDNHRVE[Gly42Ala]TAWLPGNPGG